The following is an entry in ClinVar:

ClinVar aggregate classification (germline): Uncertain significance (1 of 4 stars; one submission).

Conditions:
Singleton-Merten syndrome 1 (SGMRT1). Also called: Widened medullary cavities of bone, aortic calcification, abnormal dentition, and muscular weakness; Syndrome of widened medullary cavities of the metacarpals and phalanges, aortic calcification and abnormal dentition. Identifiers: Orphanet 85191, MedGen C4225427, MONDO:0024535, OMIM 182250.
Aicardi-Goutieres syndrome 7 (AGS7). Identifiers: Orphanet 51, MedGen C3888244, MONDO:0014367, OMIM 615846.

gnomAD v4.1: 1 of 1,610,542 alleles (0.000062%); highest among the groups gnomAD compares: Non-Finnish European, 0.000085%; no homozygotes.

Submission:

Labcorp Genetics (formerly Invitae), Labcorp
Classification: Uncertain significance for Aicardi-Goutieres syndrome 7; Singleton-Merten syndrome 1. Last evaluated: 2023-10-10. Review status: criteria provided, single submitter. Criteria: Invitae Variant Classification Sherloc (09022015). Collection method: clinical testing. Allele origin: germline.
Comment: This sequence change replaces asparagine, which is neutral and polar, with lysine, which is basic and polar, at codon 524 of the IFIH1 protein (p.Asn524Lys). This variant is not present in population databases (gnomAD no frequency). This variant has not been reported in the literature in individuals affected with IFIH1-related conditions. This missense change has been observed in at least one individual who was not affected with IFIH1-related conditions (Invitae). Advanced modeling of protein sequence and biophysical properties (such as structural, functional, and spatial information, amino acid conservation, physicochemical variation, residue mobility, and thermodynamic stability) has been performed at Invitae for this missense variant, however the output from this modeling did not meet the statistical confidence thresholds required to predict the impact of this variant on IFIH1 protein function. In summary, the available evidence is currently insufficient to determine the role of this variant in disease. Therefore, it has been classified as a Variant of Uncertain Significance.

NM_022168.4(IFIH1):c.1572C>A (p.Asn524Lys)

Gene: IFIH1 (interferon induced with helicase C domain 1; minus strand). Cytogenetic location: 2q24.2.
Variant type: single nucleotide variant.
Coding change: c.1572C>A on transcript NM_022168.4 (MANE Select); coding-DNA position 1572, C replaced by A.
Protein change: p.Asn524Lys; replaces asparagine 524 with lysine.
Molecular consequence: missense variant.
Genome position (GRCh38, 1-based): chr2:162,280,065, G>T on the plus strand (C>A on the coding strand, the complement: IFIH1 is on the minus strand). VCF-style: chr2-162280065-G-T. GRCh37 (hg19) VCF-style: chr2-163136575-G-T.
Other names: short protein forms N524K.
Identifiers: ClinVar variation 2951054 (VCV002951054.3), dbSNP rs1190078586, ClinGen allele CA349001099.